The following is an entry in ClinVar:

ClinVar aggregate classification (germline): Pathogenic (1 of 4 stars; one submission).

Conditions:
PDCD10-related disorder. Also called: PDCD10-related condition.

Submission:

PreventionGenetics, part of Exact Sciences
Classification: Pathogenic for PDCD10-related condition. Last evaluated: 2026-03-27. Review status: criteria provided, single submitter. Criteria: ACMG Guidelines, 2015. Collection method: clinical testing. Allele origin: germline.
Comment: The PDCD10 c.124C>T variant is predicted to result in premature protein termination (p.Gln42*). This variant was reported in an individual with cerebral cavernous malformation (Shenkar et al. 2015. PubMed ID: 25122144). This variant has not been reported in a large population database (gnomAD), indicating this variant is rare. Nonsense variants in PDCD10 are expected to be pathogenic. This variant is interpreted as pathogenic.

NM_007217.4(PDCD10):c.124C>T (p.Gln42Ter)

Gene: PDCD10 (programmed cell death 10; minus strand). Cytogenetic location: 3q26.1.
Variant type: single nucleotide variant.
Coding change: c.124C>T on transcript NM_007217.4 (MANE Select); coding-DNA position 124, C replaced by T.
Protein change: p.Gln42Ter; replaces glutamine 42 with a stop codon.
Molecular consequence: nonsense.
Genome position (GRCh38, 1-based): chr3:167,704,868, G>A on the plus strand (C>T on the coding strand, the complement: PDCD10 is on the minus strand). VCF-style: chr3-167704868-G-A. GRCh37 (hg19) VCF-style: chr3-167422656-G-A.
Other names: c.124C>T, p.Gln42Ter (NM_001439202.1, NM_001439204.1, NM_001439205.1 and 2 more transcripts); short protein forms Q42*.
Identifiers: ClinVar variation 4985500 (VCV004985500.1).
Genomic context (GRCh38, chr3:167,704,868, plus strand): 5'-CTTTAATAATCATAGTAAATTATTTGCACCTCACCTTGATGAAAGCGGCTCTCAGTGTCT[G>A]GGCTGCAGACAGATTTACTCGTTCTAGCTGCAATAAAAATTTTAAATTATTATGAATATC-3'